The following is an entry in ClinVar:

ClinVar aggregate classification (germline): Uncertain significance (1 of 4 stars; one submission).

Conditions:
Inborn genetic diseases. Identifiers: MedGen C0950123, MeSH D030342.

Submission:

Ambry Genetics
Classification: Uncertain significance for Inborn genetic diseases. Last evaluated: 2026-05-30. Review status: criteria provided, single submitter. Criteria: Ambry Variant Classification Scheme 2023. Collection method: clinical testing. Allele origin: germline.
Comment: The p.L427V variant (also known as c.1279C>G), located in coding exon 10 of the FANCG gene, results from a C to G substitution at nucleotide position 1279. The leucine at codon 427 is replaced by valine, an amino acid with highly similar properties. This amino acid position is conserved. In addition, this alteration is predicted to be tolerated by in silico analysis. Based on the available evidence, the clinical significance of this variant remains unclear.

NM_004629.2(FANCG):c.1279C>G (p.Leu427Val)

Gene: FANCG (FA complementation group G; minus strand). Cytogenetic location: 9p13.3.
Variant type: single nucleotide variant.
Coding change: c.1279C>G on transcript NM_004629.2 (MANE Select); coding-DNA position 1279, C replaced by G.
Protein change: p.Leu427Val; replaces leucine 427 with valine.
Molecular consequence: missense variant.
Genome position (GRCh38, 1-based): chr9:35,075,619, G>C on the plus strand (C>G on the coding strand, the complement: FANCG is on the minus strand). VCF-style: chr9-35075619-G-C. GRCh37 (hg19) VCF-style: chr9-35075616-G-C.
Other names: short protein forms L427V.
Identifiers: ClinVar variation 4871012 (VCV004871012.1).